The following is an entry in ClinVar:

NM_000038.6(APC):c.1818_1819del (p.Ile606fs)

Gene: APC (APC regulator of Wnt signaling pathway; plus strand). Cytogenetic location: 5q22.2.
Variant type: Microsatellite.
Coding change: c.1818_1819del on transcript NM_000038.6 (MANE Select); coding-DNA positions 1818 to 1819, 2 bases deleted (AT; older notation c.1818_1819delAT).
Protein change: p.Ile606fs; shifts the reading frame from isoleucine 606.
Molecular consequence: frameshift variant. On other transcripts: non-coding transcript variant (2).
Genome position (GRCh38, 1-based): chr5:112,835,025-112,835,026, AT deleted; deleting any 2 consecutive bases within chr5:112,835,021-112,835,026 gives the same sequence; the c. name uses the placement nearest the transcript's 3' end. VCF-style (leftmost placement, unchanged base first): chr5-112835020-GAT-G. GRCh37 (hg19) VCF-style: chr5-112170717-GAT-G.
Other names: c.1818_1819del, p.Ile606fs (NM_001127510.3, NM_001354895.2, NM_001407450.1); c.1764_1765del, p.Ile588fs (NM_001127511.3); c.1872_1873del, p.Ile624fs (NM_001354896.2, NM_001407447.1, NM_001407448.1 and 1 more transcripts); c.1848_1849del, p.Ile616fs (NM_001354897.2); c.1743_1744del, p.Ile581fs (NM_001354898.2); c.1734_1735del, p.Ile578fs (NM_001354899.2); c.1695_1696del, p.Ile565fs (NM_001354900.2); c.1641_1642del, p.Ile547fs (NM_001354901.2, NM_001407453.1); and 11 more; short protein forms I323fs, I446fs, I578fs, I581fs, I596fs, I616fs, I505fs, I523fs.
Identifiers: ClinVar variation 3727934 (VCV003727934.2).

ClinVar aggregate classification (germline): Pathogenic (1 of 4 stars; one submission).

Conditions:
Familial adenomatous polyposis 1 (FAP1). Also called: FAMILIAL ADENOMATOUS POLYPOSIS 1, ATTENUATED; POLYPOSIS, ADENOMATOUS INTESTINAL. Identifiers: MedGen C2713442, MONDO:0021056, OMIM 175100. Disease mechanism: loss of function.

Submission:

Labcorp Genetics (formerly Invitae), Labcorp
Classification: Pathogenic for Familial adenomatous polyposis 1. Last evaluated: 2024-12-24. Review status: criteria provided, single submitter. Criteria: Invitae Variant Classification Sherloc (09022015). Collection method: clinical testing. Allele origin: germline.
Comment: This sequence change creates a premature translational stop signal (p.Ile606Metfs*27) in the APC gene. It is expected to result in an absent or disrupted protein product. Loss-of-function variants in APC are known to be pathogenic (PMID: 17963004, 20685668). This variant is not present in population databases (gnomAD no frequency). This variant has not been reported in the literature in individuals affected with APC-related conditions. For these reasons, this variant has been classified as Pathogenic.

Literature cited by the submitters: PubMed 17963004; PubMed 20685668.